The following is an entry in ClinVar:

ClinVar aggregate classification (germline): Uncertain significance. Review status: criteria provided, multiple submitters, no conflicts (2 of 4 stars). 2 submissions from 2 submitters: Uncertain significance (2). Last evaluated 2025-04-25.

Allele frequency attached by ClinVar (database versions not stated): TOPMed 0.00001; gnomAD 0.00003; gnomAD exomes 0.00004 and 0.00009; ExAC 0.00005.
gnomAD v4.1: 60 of 1,544,900 alleles (0.0039%); highest among the groups gnomAD compares: South Asian, 0.065%; 1 homozygote.

Submissions (2):

Ambry Genetics
Classification: Uncertain significance. Last evaluated: 2025-04-25. Review status: criteria provided, single submitter. Criteria: Ambry Variant Classification Scheme 2023. Collection method: clinical testing. Allele origin: germline.

Labcorp Genetics (formerly Invitae), Labcorp
Classification: Uncertain significance. Last evaluated: 2024-09-28. Review status: criteria provided, single submitter. Criteria: Invitae Variant Classification Sherloc (09022015). Collection method: clinical testing. Allele origin: germline.
Comment: This sequence change replaces valine, which is neutral and non-polar, with alanine, which is neutral and non-polar, at codon 509 of the DTHD1 protein (p.Val509Ala). This variant is present in population databases (rs760693725, gnomAD 0.05%). This variant has not been reported in the literature in individuals affected with DTHD1-related conditions. ClinVar contains an entry for this variant (Variation ID: 1523915). An algorithm developed to predict the effect of missense changes on protein structure and function (PolyPhen-2) suggests that this variant is likely to be tolerated. In summary, the available evidence is currently insufficient to determine the role of this variant in disease. Therefore, it has been classified as a Variant of Uncertain Significance.

NM_001170700.3(DTHD1):c.2396T>C (p.Val799Ala)

Gene: DTHD1 (death domain containing 1; plus strand). Cytogenetic location: 4p14.
Variant type: single nucleotide variant.
Coding change: c.2396T>C on transcript NM_001170700.3 (MANE Select); coding-DNA position 2396, T replaced by C.
Protein change: p.Val799Ala; replaces valine 799 with alanine.
Molecular consequence: missense variant. On other transcripts: non-coding transcript variant (1), intron variant (1).
Genome position (GRCh38, 1-based): chr4:36,339,167, T>C. VCF-style: chr4-36339167-T-C. GRCh37 (hg19) VCF-style: chr4-36340789-T-C.
Other names: c.2021T>C (NM_001170700.1); c.1526T>C, p.Val509Ala (NM_001136536.5); c.1408-4335T>C (NM_001378435.1); short protein forms V799A, V509A.
Identifiers: ClinVar variation 1523915 (VCV001523915.9), dbSNP rs760693725, ClinGen allele CA2885733.
Genomic context (GRCh38, chr4:36,339,167, plus strand): 5'-AATAGCATAAGAAATTAATCAACCGTCCACAGAGTACCAAAAGAGTTTCTAAGGATCCTG[T>C]AGGTGAGGAATATTTGCTTTGTCATCATTATAGTGCTTCCCCACCCCCTTATATGTTGTA-3'
Protein context (NP_001164171.2, residues 789-809): QSTKRVSKDP[Val799Ala]EALWDNLLHW